The following is an entry in ClinVar:

ClinVar aggregate classification (germline): Uncertain significance (1 of 4 stars; one submission).

Allele frequency attached by ClinVar (database versions not stated): ExAC 0.00003.

Submission:

Labcorp Genetics (formerly Invitae), Labcorp
Classification: Uncertain significance. Last evaluated: 2024-11-05. Review status: criteria provided, single submitter. Criteria: Invitae Variant Classification Sherloc (09022015). Collection method: clinical testing. Allele origin: germline.
Comment: This sequence change replaces asparagine, which is neutral and polar, with serine, which is neutral and polar, at codon 7 of the ITM2B protein (p.Asn7Ser). This variant is present in population databases (rs779234032, gnomAD 0.02%). This variant has not been reported in the literature in individuals affected with ITM2B-related conditions. ClinVar contains an entry for this variant (Variation ID: 2140151). An algorithm developed to predict the effect of missense changes on protein structure and function (PolyPhen-2) suggests that this variant is likely to be tolerated. In summary, the available evidence is currently insufficient to determine the role of this variant in disease. Therefore, it has been classified as a Variant of Uncertain Significance.

NM_021999.5(ITM2B):c.20A>G (p.Asn7Ser)

Genes: ITM2B (integral membrane protein 2B; plus strand), LOC130009751 (ATAC-STARR-seq lymphoblastoid silent region 5331; plus strand). Cytogenetic location: 13q14.2.
Variant type: single nucleotide variant.
Coding change: c.20A>G on transcript NM_021999.5 (MANE Select); coding-DNA position 20, A replaced by G.
Protein change: p.Asn7Ser; replaces asparagine 7 with serine.
Molecular consequence: missense variant.
Genome position (GRCh38, 1-based): chr13:48,233,380, A>G. VCF-style: chr13-48233380-A-G. GRCh37 (hg19) VCF-style: chr13-48807516-A-G.
Other names: short protein forms N7S.
Identifiers: ClinVar variation 2140151 (VCV002140151.4), dbSNP rs779234032, ClinGen allele CA6978669.